The following is an entry in ClinVar:

ClinVar aggregate classification (germline): Benign. Review status: criteria provided, multiple submitters, no conflicts (2 of 4 stars). 6 submissions from 6 submitters: Benign (4). 2 of the submissions do not count toward it. Last evaluated 2026-02-04.

Allele frequency attached by ClinVar (database versions not stated): gnomAD exomes 0.06394 and 0.06791; 1000 Genomes Project 0.06569; ExAC 0.06585; 1000 Genomes Project 30x 0.06605; TOPMed 0.08485; gnomAD 0.08559 and 0.08824; ESP Exome Variant Server 0.08781.
gnomAD v4.1: 112,365 of 1,613,720 alleles (7%); highest among the groups gnomAD compares: African/African-American, 14%; 4,404 homozygotes.

Submissions (6):

Labcorp Genetics (formerly Invitae), Labcorp
Classification: Benign. Last evaluated: 2026-02-04. Review status: criteria provided, single submitter. Criteria: Invitae Variant Classification Sherloc (09022015). Collection method: clinical testing. Allele origin: germline.

Blueprint Genetics
Classification: Benign. Last evaluated: 2024-11-26. Review status: criteria provided, single submitter. Criteria: ACMG Guidelines, 2015. Collection method: clinical testing. Allele origin: germline.

GeneDx
Classification: Benign. Last evaluated: 2016-01-14. Review status: criteria provided, single submitter. Criteria: GeneDx Variant Classification (06012015). Collection method: clinical testing. Allele origin: germline. Affected: yes.
Comment: This variant is considered likely benign or benign based on one or more of the following criteria: it is a conservative change, it occurs at a poorly conserved position in the protein, it is predicted to be benign by multiple in silico algorithms, and/or has population frequency not consistent with disease.

Breakthrough Genomics
Classification: Benign. Review status: criteria provided, single submitter. Criteria: ACMG Guidelines, 2015. Collection method: not provided. Allele origin: germline. Inheritance: Autosomal recessive inheritance. Affected: yes.

Clinical Genetics DNA and cytogenetics Diagnostics Lab, Erasmus MC, Erasmus Medical Center
Classification: Benign. Review status: no assertion criteria provided. Collection method: clinical testing. Allele origin: germline. Affected: yes. Study: VKGL Data-share Consensus. Not counted in ClinVar's aggregate classification.

Clinical Genetics, Academic Medical Center
Classification: Benign. Review status: no assertion criteria provided. Collection method: clinical testing. Allele origin: germline. Affected: yes. Study: VKGL Data-share Consensus. Not counted in ClinVar's aggregate classification.

NM_001291303.3(FAT4):c.12909C>T (p.Asp4303=)

Gene: FAT4 (FAT atypical cadherin 4; plus strand). Cytogenetic location: 4q28.1.
Variant type: single nucleotide variant.
Coding change: c.12909C>T on transcript NM_001291303.3 (MANE Select); coding-DNA position 12909, C replaced by T.
Protein change: p.Asp4303=; no amino-acid change (aspartic acid 4303 retained).
Molecular consequence: synonymous variant.
Genome position (GRCh38, 1-based): chr4:125,487,431, C>T. VCF-style: chr4-125487431-C-T. GRCh37 (hg19) VCF-style: chr4-126408586-C-T.
Other names: c.12909C>T, p.Asp4303= (NM_001291285.3); c.12903C>T, p.Asp4301= (NM_024582.6).
Identifiers: ClinVar variation 380801 (VCV000380801.13), dbSNP rs17009825, ClinGen allele CA3074221.
Genomic context (GRCh38, chr4:125,487,431, plus strand): 5'-ATCCGATGCAGGAATTGCTGGGAAAGTGGAGAGAAATATTCCTGAAGTATATGTTGCAGA[C>T]GGCCACTGGCACACTTTTCTAATTGGGAAAAATGGAACAGCAACAGTATTGTCTGTTGAC-3'
Protein context (NP_001278232.1, residues 4293-4313): ERNIPEVYVA[Asp4303=]GHWHTFLIGK